The following is an entry in ClinVar:

ClinVar aggregate classification (germline): Uncertain significance (0 of 4 stars; one submission).

Conditions:
TAB2-related disorder.

gnomAD v4.1: 3 of 1,614,182 alleles (0.00019%); highest among the groups gnomAD compares: Non-Finnish European, 0.00025%; no homozygotes.

Submission:

PreventionGenetics, part of Exact Sciences
Classification: Uncertain significance for TAB2-related condition. Last evaluated: 2023-12-06. Review status: no assertion criteria provided. Collection method: clinical testing. Allele origin: germline.
Comment: The TAB2 c.919T>A variant is predicted to result in the amino acid substitution p.Ser307Thr. To our knowledge, this variant has not been reported in the literature or in a large population database, indicating this variant is rare. At this time, the clinical significance of this variant is uncertain due to the absence of conclusive functional and genetic evidence.

NM_001292034.3(TAB2):c.919T>A (p.Ser307Thr)

Genes: TAB2 (TGF-beta activated kinase 1 (MAP3K7) binding protein 2; plus strand), LOC126859827 (BRD4-independent group 4 enhancer GRCh37_chr6:149699707-149700906; plus strand). Cytogenetic location: 6q25.1.
Variant type: single nucleotide variant.
Coding change: c.919T>A on transcript NM_001292034.3 (MANE Select); coding-DNA position 919, T replaced by A.
Protein change: p.Ser307Thr; replaces serine 307 with threonine.
Molecular consequence: missense variant.
Genome position (GRCh38, 1-based): chr6:149,378,834, T>A. VCF-style: chr6-149378834-T-A. GRCh37 (hg19) VCF-style: chr6-149699970-T-A.
Other names: c.823T>A, p.Ser275Thr (NM_001292035.3); c.919T>A, p.Ser307Thr (NM_001369506.1, NM_015093.6); short protein forms S275T, S307T.
Identifiers: ClinVar variation 3058316 (VCV003058316.2), dbSNP rs2483390880, ClinGen allele CA365997565.